The following is an entry in ClinVar:

ClinVar aggregate classification (germline): Likely pathogenic (0 of 4 stars; one submission).

Conditions:
Tay-Sachs disease (TSD). Also called: HEXA DEFICIENCY; GM2 gangliosidosis, type 1; Hexosaminidase alpha-subunit deficiency (variant B); Sphingolipidosis, Tay-Sachs; Hexosaminidase A Deficiency; HEXA Disorders. Identifiers: Orphanet 845, MedGen C0039373, MONDO:0010100, OMIM 272800.

Submission:

Foundation for Research in Genetics and Endocrinology, FRIGE's Institute of Human Genetics
Classification: Likely pathogenic for Tay-Sachs disease. Last evaluated: 2015-09-30. Review status: no assertion criteria provided. Collection method: research. Allele origin: germline. Inheritance: Autosomal recessive inheritance. Affected: yes. Observed: 1 homozygote.
Comment: Variant was found to be pathogenic by online software Mutation Taster, SIFT and Plypehn2

NM_000520.6(HEXA):c.1360G>C (p.Gly454Arg)

Gene: HEXA (hexosaminidase subunit alpha; minus strand). Cytogenetic location: 15q23.
Variant type: single nucleotide variant.
Coding change: c.1360G>C on transcript NM_000520.6 (MANE Select); coding-DNA position 1360, G replaced by C.
Protein change: p.Gly454Arg; replaces glycine 454 with arginine.
Molecular consequence: missense variant. On other transcripts: non-coding transcript variant (1).
Genome position (GRCh38, 1-based): chr15:72,346,296, C>G on the plus strand (G>C on the coding strand, the complement: HEXA is on the minus strand). VCF-style: chr15-72346296-C-G. GRCh37 (hg19) VCF-style: chr15-72638637-C-G.
Other names: c.1393G>C, p.Gly465Arg (NM_001318825.2); short protein forms G454R, G465R.
Identifiers: ClinVar variation 375363 (VCV000375363.2), dbSNP rs121907978, ClinGen allele CA16044198.
Genomic context (GRCh38, chr15:72,346,296, plus strand): 5'-AGAGCCTGGGGACCAGGTTTGTGTTGTCCACATATTCTCCCCACATACAAGCCTCTCCAC[C>G]AATCACCAGAGCCTTCTGCTCAGGGGTACCTGAGGGAAAACAAGCAACAACAGTCTGGTG-3'
Protein context (NP_000511.2, residues 444-464): GTPEQKALVI[Gly454Arg]GEACMWGEYV